The following is an entry in ClinVar:

ClinVar aggregate classification (germline): Pathogenic (1 of 4 stars; one submission).

Conditions:
Ehlers-Danlos syndrome, musculocontractural type 2 (EDSMC2). Identifiers: Orphanet 2953, MedGen C3809845, MONDO:0014236, OMIM 615539.

Submission:

Institute of Human Genetics, University of Leipzig Medical Center
Classification: Pathogenic for Ehlers-Danlos syndrome, musculocontractural type 2. Last evaluated: 2025-03-04. Review status: criteria provided, single submitter. Criteria: ACMG Guidelines, 2015. Collection method: clinical testing. Allele origin: unknown. Inheritance: Autosomal recessive inheritance. Affected: yes.
Comment: Criteria applied: PVS1,PM2,PM3_SUP

NM_013352.4(DSE):c.874C>T (p.Gln292Ter)

Gene: DSE (dermatan sulfate epimerase; plus strand). Cytogenetic location: 6q22.1.
Variant type: single nucleotide variant.
Coding change: c.874C>T on transcript NM_013352.4 (MANE Select); coding-DNA position 874, C replaced by T.
Protein change: p.Gln292Ter; replaces glutamine 292 with a stop codon.
Molecular consequence: nonsense. On other transcripts: non-coding transcript variant (1), intron variant (3).
Genome position (GRCh38, 1-based): chr6:116,431,157, C>T. VCF-style: chr6-116431157-C-T. GRCh37 (hg19) VCF-style: chr6-116752320-C-T.
Other names: c.874C>T, p.Gln292Ter (NM_001080976.3, NM_001322937.2, NM_001322938.2 and 2 more transcripts); c.931C>T, p.Gln311Ter (NM_001322939.2); c.313C>T, p.Gln105Ter (NM_001322940.2, NM_001322941.2); c.-90+100C>T (NM_001374520.1); c.83+4330C>T (NM_001374521.1); c.670+4330C>T (NM_001322943.2); short protein forms Q105*, Q292*, Q311*.
Identifiers: ClinVar variation 3773661 (VCV003773661.2).